The following is an entry in ClinVar:

ClinVar aggregate classification (germline): Uncertain significance. Review status: criteria provided, multiple submitters, no conflicts (2 of 4 stars). 6 submissions from 6 submitters: Uncertain significance (6). Last evaluated 2025-06-24.

Conditions:
Hereditary nonpolyposis colorectal neoplasms. Identifiers: MedGen C0009405, MeSH D003123.
Hereditary cancer-predisposing syndrome. Also called: Tumor predisposition; Hereditary Cancer Syndrome; Hereditary neoplastic syndrome; Neoplastic Syndromes, Hereditary. Identifiers: Orphanet 140162, MedGen C0027672, MeSH D009386, MONDO:0015356.
Lynch syndrome. Identifiers: Orphanet 144, MedGen C4552100, MONDO:0005835. Disease mechanism: loss of function.

Submissions (6):

Labcorp Genetics (formerly Invitae), Labcorp
Classification: Uncertain significance for Hereditary nonpolyposis colorectal neoplasms. Last evaluated: 2025-06-24. Review status: criteria provided, single submitter. Criteria: Invitae Variant Classification Sherloc (09022015). Collection method: clinical testing. Allele origin: germline.
Comment: This sequence change replaces lysine, which is basic and polar, with asparagine, which is neutral and polar, at codon 311 of the MSH6 protein (p.Lys311Asn). This variant is not present in population databases (gnomAD no frequency). This variant has not been reported in the literature in individuals affected with MSH6-related conditions. ClinVar contains an entry for this variant (Variation ID: 182614). Invitae Evidence Modeling of protein sequence and biophysical properties (such as structural, functional, and spatial information, amino acid conservation, physicochemical variation, residue mobility, and thermodynamic stability) indicates that this missense variant is not expected to disrupt MSH6 protein function with a negative predictive value of 95%. In summary, the available evidence is currently insufficient to determine the role of this variant in disease. Therefore, it has been classified as a Variant of Uncertain Significance.

Ambry Genetics
Classification: Uncertain significance for Hereditary cancer-predisposing syndrome. Last evaluated: 2025-02-08. Review status: criteria provided, single submitter. Criteria: Ambry Variant Classification Scheme 2023. Collection method: clinical testing. Allele origin: germline.
Comment: The p.K311N variant (also known as c.933A>T), located in coding exon 4 of the MSH6 gene, results from an A to T substitution at nucleotide position 933. The lysine at codon 311 is replaced by asparagine, an amino acid with similar properties. This amino acid position is well conserved in available vertebrate species. In addition, this alteration is predicted to be tolerated by in silico analysis. Since supporting evidence is limited at this time, the clinical significance of this alteration remains unclear.

All of Us Research Program, National Institutes of Health
Classification: Uncertain significance for Lynch syndrome. Last evaluated: 2024-05-14. Review status: criteria provided, single submitter. Criteria: ACMG Guidelines, 2015. Collection method: clinical testing. Allele origin: germline. Inheritance: Autosomal dominant inheritance. Observed: 1 variant allele, 1 heterozygote.
Comment: This missense variant replaces lysine with asparagine at codon 311 of the MSH6 protein. Computational prediction suggests that this variant may not impact protein structure and function (internally defined REVEL score threshold <= 0.5, PMID: 27666373). To our knowledge, functional studies have not been reported for this variant. This variant has not been reported in individuals affected with MSH6-related disorders in the literature. This variant has not been identified in the general population by the Genome Aggregation Database (gnomAD). The available evidence is insufficient to determine the role of this variant in disease conclusively. Therefore, this variant is classified as a Variant of Uncertain Significance.

This study involves interpretation of variants in research participants for the purpose of population health screening. Participant phenotype was not available at the time of variant classification. Additional details can be found in publication PMID: 35346344, PMCID: PMC8962531

Color Diagnostics, LLC DBA Color Health
Classification: Uncertain significance for Hereditary cancer-predisposing syndrome. Last evaluated: 2024-04-18. Review status: criteria provided, single submitter. Criteria: ACMG Guidelines, 2015. Collection method: clinical testing. Allele origin: germline.
Comment: This missense variant replaces lysine with asparagine at codon 311 of the MSH6 protein. Computational prediction suggests that this variant may not impact protein structure and function (internally defined REVEL score threshold <= 0.5, PMID: 27666373). To our knowledge, functional studies have not been reported for this variant. This variant has not been reported in individuals affected with MSH6-related disorders in the literature. This variant has not been identified in the general population by the Genome Aggregation Database (gnomAD). The available evidence is insufficient to determine the role of this variant in disease conclusively. Therefore, this variant is classified as a Variant of Uncertain Significance.

Mendelics
Classification: Uncertain significance. Last evaluated: 2022-05-04. Review status: criteria provided, single submitter. Criteria: Mendelics Assertion Criteria 2019. Collection method: clinical testing. Allele origin: germline.

GeneDx
Classification: Uncertain significance. Last evaluated: 2015-12-09. Review status: criteria provided, single submitter. Criteria: GeneDx Variant Classification (06012015). Collection method: clinical testing. Allele origin: germline. Affected: yes.
Comment: This variant is denoted MSH6 c.933A>T at the cDNA level, p.Lys311Asn (K311N) at the protein level, and results in the change of a Lysine to an Asparagine (AAA>AAT). This variant has not, to our knowledge, been published in the literature as pathogenic or benign. MSH6 Lys311Asn was not observed in approximately 6,500 individuals of European and African American ancestry in the NHLBI Exome Sequencing Project, suggesting it is not a common benign variant in these populations. Since Lysine and Asparagine differ in some properties, this is considered a semi-conservative amino acid substitution. MSH6 Lys311Asn occurs at a position that is not conserved and is not located in a known functional domain (Terui 2013). In silico analyses are inconsistent regarding the effect this variant may have on protein structure and function. Based on currently available information, it is unclear whether MSH6 Lys311Asn is pathogenic or benign. We consider it to be a variant of uncertain significance.

NM_000179.3(MSH6):c.933A>T (p.Lys311Asn)

Gene: MSH6 (mutS homolog 6; plus strand). Cytogenetic location: 2p16.3.
Variant type: single nucleotide variant.
Coding change: c.933A>T on transcript NM_000179.3 (MANE Select); coding-DNA position 933, A replaced by T.
Protein change: p.Lys311Asn; replaces lysine 311 with asparagine.
Molecular consequence: missense variant.
Genome position (GRCh38, 1-based): chr2:47,798,916, A>T. VCF-style: chr2-47798916-A-T. GRCh37 (hg19) VCF-style: chr2-48026055-A-T.
Other names: p.K311N:AAA>AAT; c.543A>T, p.Lys181Asn (NM_001281492.2); c.27A>T, p.Lys9Asn (NM_001281493.2, NM_001281494.2); short protein forms K311N, K9N, K181N.
Identifiers: ClinVar variation 182614 (VCV000182614.18), dbSNP rs730881785, ClinGen allele CA016664.